The following is an entry in ClinVar:

ClinVar aggregate classification (germline): Conflicting classifications of pathogenicity. Review status: criteria provided, conflicting classifications (1 of 4 stars). 5 submissions from 5 submitters: Uncertain significance (3); Likely benign (2). Last evaluated 2026-08-13.

Conditions:
Early-infantile DEE. Also called: Ohtahara syndrome; Early infantile epileptic encephalopathy with suppression bursts; Early infantile epileptic encephalopathy. Identifiers: Orphanet 1934, MedGen C0393706, MONDO:0800491.
Inborn genetic diseases. Identifiers: MedGen C0950123, MeSH D030342.

Allele frequency attached by ClinVar (database versions not stated): ExAC 0.00001; gnomAD exomes 0.00001 and 0.00003; gnomAD 0.00004; TOPMed 0.00006.
gnomAD v4.1: 42 of 1,602,804 alleles (0.0026%); highest among the groups gnomAD compares: Non-Finnish European, 0.0034%; no homozygotes.

Submissions (5):

Ambry Genetics
Classification: Uncertain significance for Inborn genetic diseases. Last evaluated: 2026-08-13. Review status: criteria provided, single submitter. Criteria: Ambry Variant Classification Scheme 2023. Collection method: clinical testing. Allele origin: germline.
Comment: The c.4345C>T (p.L1449F) alteration is located in exon 23 (coding exon 23) of the SCN1A gene. This alteration results from a C to T substitution at nucleotide position 4345, causing the leucine (L) at amino acid position 1449 to be replaced by a phenylalanine (F). Based on data from gnomAD, the T allele has an overall frequency of 0.001% (3/279866) total alleles studied. The highest observed frequency was 0.004% (1/24744) of African alleles. Based on insufficient or conflicting evidence, the clinical significance of this alteration remains unclear.

CeGaT Center for Human Genetics Tuebingen
Classification: Likely benign. Last evaluated: 2026-07-01. Review status: criteria provided, single submitter. Criteria: CeGaT Center For Human Genetics Tuebingen Variant Classification Criteria Version 2. Collection method: clinical testing. Allele origin: germline. Affected: yes. Observed: 2 variant alleles.
Comment: SCN1A: PP2, BS2

Labcorp Genetics (formerly Invitae), Labcorp
Classification: Likely benign for Early-infantile DEE. Last evaluated: 2025-12-15. Review status: criteria provided, single submitter. Criteria: Invitae Variant Classification Sherloc (09022015). Collection method: clinical testing. Allele origin: germline.

Athena Diagnostics
Classification: Uncertain significance. Last evaluated: 2016-08-18. Review status: criteria provided, single submitter. Criteria: Athena Diagnostics Criteria. Collection method: clinical testing. Allele origin: germline.

GeneDx
Classification: Uncertain significance. Last evaluated: 2014-10-23. Review status: criteria provided, single submitter. Criteria: GeneDx Variant Classification (06012015). Collection method: clinical testing. Allele origin: germline. Affected: yes.
Comment: The L1449F variant has not been published as a mutation, nor has it been reported as a benign polymorphism to our knowledge. It was not observed in approximately 6,500 individuals of European and African American ancestry in the NHLBI Exome Sequencing Project, indicating it is not a common benign variant in these populations. This substitution alters a conserved position between transmembrane segments 5 and 6 in the third homologous domain. Multiple missense mutations in nearby residues have been reported in association with SCN1A-related disorders, supporting the functional importance of this region of the protein. However, the L1449F variant is a conservative amino acid substitution, which is not likely to impact secondary protein structure as these residues share similar properties, and in silico analysis predicts this variant likely does not alter the protein structure/function. Therefore, based on the currently available information, it is unclear whether this variant is a pathogenic mutation or a rare benign variant. The variant is found in EPILEPSY,CHILD-EPI panel(s).

NM_001165963.4(SCN1A):c.4345C>T (p.Leu1449Phe)

Genes: SCN1A (sodium voltage-gated channel alpha subunit 1; minus strand), LOC102724058 (uncharacterized LOC102724058; plus strand). Cytogenetic location: 2q24.3.
Variant type: single nucleotide variant.
Coding change: c.4345C>T on transcript NM_001165963.4 (MANE Select); coding-DNA position 4345, C replaced by T.
Protein change: p.Leu1449Phe; replaces leucine 1449 with phenylalanine.
Molecular consequence: missense variant. On other transcripts: non-coding transcript variant (1).
Genome position (GRCh38, 1-based): chr2:165,998,169, G>A on the plus strand (C>T on the coding strand, the complement: SCN1A is on the minus strand). VCF-style: chr2-165998169-G-A. GRCh37 (hg19) VCF-style: chr2-166854679-G-A.
Other names: p.L1449F:CTC>TTC; c.4261C>T, p.Leu1421Phe (NM_001165964.3, NM_001353957.2, NM_001353958.2); c.4345C>T, p.Leu1449Phe (NM_001202435.3, NM_001353948.2); c.4312C>T, p.Leu1438Phe (NM_001353949.2, NM_001353950.2, NM_001353951.2 and 2 more transcripts); c.4309C>T, p.Leu1437Phe (NM_001353954.2, NM_001353955.2); c.4258C>T, p.Leu1420Phe (NM_001353960.2); c.1903C>T, p.Leu635Phe (NM_001353961.2); short protein forms L1438F, L1449F, L1420F, L1437F, L1421F, L635F.
Identifiers: ClinVar variation 206826 (VCV000206826.51), dbSNP rs768638174, ClinGen allele CA317455.